The following is an entry in ClinVar:

ClinVar aggregate classification (germline): Likely benign. Review status: criteria provided, multiple submitters, no conflicts (2 of 4 stars). 2 submissions from 2 submitters: Likely benign (2). Last evaluated 2024-06-19.

Conditions:
Joubert syndrome. Also called: CEREBELLOPARENCHYMAL DISORDER IV; JOUBERT-BOLTSHAUSER SYNDROME; Familial aplasia of the vermis. Identifiers: Orphanet 475, MedGen C5979921, MONDO:0018772.
Meckel-Gruber syndrome. Also called: Dysencephalia splachnocystica; DYSENCEPHALIA SPLANCHNOCYSTICA; GRUBER SYNDROME. Identifiers: Orphanet 564, MedGen C0265215, MONDO:0018921.
Nephronophthisis. Also called: Juvenile Nephronophthisis. Identifiers: Orphanet 655, MedGen C0687120, MONDO:0019005, HP:0000090.

Allele frequency attached by ClinVar (database versions not stated): gnomAD exomes below 0.00001; gnomAD 0.00001; TOPMed 0.00001.
gnomAD v4.1: 6 of 1,216,850 alleles (0.00049%); highest among the groups gnomAD compares: East Asian, 0.0025%; no homozygotes.

Submissions (2):

Labcorp Genetics (formerly Invitae), Labcorp
Classification: Likely benign for Joubert syndrome; Meckel-Gruber syndrome; Nephronophthisis. Last evaluated: 2024-06-19. Review status: criteria provided, single submitter. Criteria: Invitae Variant Classification Sherloc (09022015). Collection method: clinical testing. Allele origin: germline.

GeneDx
Classification: Likely benign. Last evaluated: 2018-05-14. Review status: criteria provided, single submitter. Criteria: GeneDx Variant Classification (06012015). Collection method: clinical testing. Allele origin: germline. Affected: yes.
Comment: This variant is considered likely benign or benign based on one or more of the following criteria: it is a conservative change, it occurs at a poorly conserved position in the protein, it is predicted to be benign by multiple in silico algorithms, and/or has population frequency not consistent with disease.

NM_025114.4(CEP290):c.1824+15T>C

Gene: CEP290 (centrosomal protein 290; minus strand). Cytogenetic location: 12q21.32.
Variant type: single nucleotide variant.
Coding change: c.1824+15T>C on transcript NM_025114.4 (MANE Select); 15 bases into the intron after coding-DNA position 1824, T replaced by C.
Molecular consequence: intron variant.
Genome position (GRCh38, 1-based): chr12:88,117,018, A>G on the plus strand (T>C on the coding strand, the complement: CEP290 is on the minus strand). VCF-style: chr12-88117018-A-G. GRCh37 (hg19) VCF-style: chr12-88510795-A-G.
Identifiers: ClinVar variation 668400 (VCV000668400.3), dbSNP rs999848467, ClinGen allele CA241150477.